The following is an entry in ClinVar:

NM_000069.3(CACNA1S):c.773G>T (p.Gly258Val)

Gene: CACNA1S (calcium voltage-gated channel subunit alpha1 S; minus strand). Cytogenetic location: 1q32.1.
Variant type: single nucleotide variant.
Coding change: c.773G>T on transcript NM_000069.3 (MANE Select); coding-DNA position 773, G replaced by T.
Protein change: p.Gly258Val; replaces glycine 258 with valine.
Molecular consequence: missense variant.
Genome position (GRCh38, 1-based): chr1:201,089,385, C>A on the plus strand (G>T on the coding strand, the complement: CACNA1S is on the minus strand). VCF-style: chr1-201089385-C-A. GRCh37 (hg19) VCF-style: chr1-201058513-C-A.
Other names: short protein forms G258V.
Identifiers: ClinVar variation 445303 (VCV000445303.39), dbSNP rs35534614, ClinGen allele CA083997.

ClinVar aggregate classification (germline): Conflicting classifications of pathogenicity. Review status: criteria provided, conflicting classifications (1 of 4 stars). 8 submissions from 8 submitters: Uncertain significance (3); Benign (1); Likely benign (3). 1 of the submissions does not count toward it. Last evaluated 2026-06-01.

Conditions:
Malignant hyperthermia, susceptibility to, 5 (MHS5). Also called: CACNA1S-Related Malignant Hyperthermia Susceptibility. Identifiers: Orphanet 423, MedGen C1866077, MONDO:0011163, OMIM 601887.
Thyrotoxic periodic paralysis, susceptibility to, 1 (TTPP1). Identifiers: Orphanet 79102, MedGen C2749982, MONDO:0008570, OMIM 188580.
Hypokalemic periodic paralysis, type 1. Also called: Hypokalemic Periodic Paralysis Type 1 (AD); HypoPP. Identifiers: Orphanet 681, MedGen C3714580, MONDO:0042979, OMIM 170400.
Congenital myopathy 18. Also called: DIHYDROPYRIDINE RECEPTOR CONGENITAL MYOPATHY; DHPR CONGENITAL MYOPATHY; Myopathy, congenital, due to dihydropyridine receptor defect. Identifiers: MedGen C5830283, MONDO:0859514, OMIM 620246.
CACNA1S-related disorder. Also called: CACNA1S-related condition.

Allele frequency attached by ClinVar (database versions not stated): TOPMed 0.00012.
gnomAD v4.1: 285 of 1,614,124 alleles (0.018%); highest among the groups gnomAD compares: Non-Finnish European, 0.0026%; 1 homozygote.

Submissions (8):

CeGaT Center for Human Genetics Tuebingen
Classification: Likely benign. Last evaluated: 2026-06-01. Review status: criteria provided, single submitter. Criteria: CeGaT Center For Human Genetics Tuebingen Variant Classification Criteria Version 2. Collection method: clinical testing. Allele origin: germline. Affected: yes. Observed: 4 variant alleles.
Comment: CACNA1S: BS1

Labcorp Genetics (formerly Invitae), Labcorp
Classification: Benign for Hypokalemic periodic paralysis, type 1; Malignant hyperthermia, susceptibility to, 5. Last evaluated: 2026-01-20. Review status: criteria provided, single submitter. Criteria: Invitae Variant Classification Sherloc (09022015). Collection method: clinical testing. Allele origin: germline.

GeneDx
Classification: Uncertain significance. Last evaluated: 2025-08-19. Review status: criteria provided, single submitter. Criteria: GeneDx Variant Classification Process June 2021. Collection method: clinical testing. Allele origin: germline. Affected: yes.
Comment: Reported previously in an individual in published literature who did not have a personal or family history of a CACNA1S-related disorder (PMID: 24195946); In silico analysis supports that this missense variant has a deleterious effect on protein structure/function; This variant is associated with the following publications: (PMID: 24195946)

Fulgent Genetics
Classification: Uncertain significance for Hypokalemic periodic paralysis, type 1; Thyrotoxic periodic paralysis, susceptibility to, 1; Malignant hyperthermia, susceptibility to, 5; Congenital myopathy 18. Last evaluated: 2024-03-16. Review status: criteria provided, single submitter. Criteria: ACMG Guidelines, 2015. Collection method: clinical testing. Allele origin: germline.

Color Diagnostics, LLC DBA Color Health
Classification: Likely benign for Malignant hyperthermia, susceptibility to, 5. Last evaluated: 2022-09-16. Review status: criteria provided, single submitter. Criteria: ACMG Guidelines, 2015. Collection method: clinical testing. Allele origin: germline.

Department of Pathology and Laboratory Medicine, Sinai Health System
Classification: Uncertain significance for malignant hyperthermia, susceptibility to, 5. Last evaluated: 2020-08-07. Review status: criteria provided, single submitter. Criteria: ACMG Guidelines, 2015. Collection method: research. Allele origin: germline.

Center for Pediatric Genomic Medicine, Children's Mercy Hospital and Clinics
Classification: Likely benign. Last evaluated: 2017-08-29. Review status: criteria provided, single submitter. Criteria: ACMG Guidelines, 2015. Collection method: clinical testing. Allele origin: germline.

PreventionGenetics, part of Exact Sciences
Classification: Likely benign for CACNA1S-related condition. Last evaluated: 2023-03-19. Review status: no assertion criteria provided. Collection method: clinical testing. Allele origin: germline. Not counted in ClinVar's aggregate classification.
Comment: This variant is classified as likely benign based on ACMG/AMP sequence variant interpretation guidelines (Richards et al. 2015 PMID: 25741868, with internal and published modifications).